The following is an entry in ClinVar:

ClinVar aggregate classification (germline): Likely benign. Review status: criteria provided, multiple submitters, no conflicts (2 of 4 stars). 3 submissions from 2 submitters: Likely benign (3). Last evaluated 2023-03-01.

Conditions:
Breast-ovarian cancer, familial, susceptibility to, 2 (BROVCA2). Also called: BRCA2 Hereditary Breast and Ovarian Cancer. Identifiers: Orphanet 145, MedGen C2675520, MONDO:0012933, OMIM 612555. Disease mechanism: loss of function.
Fanconi anemia complementation group D1. Also called: BRCA2-Related Fanconi Anemia. Identifiers: Orphanet 319462, MedGen C1838457, MONDO:0011584, OMIM 605724.

Allele frequency attached by ClinVar (database versions not stated): 1000 Genomes Project 30x 0.00109; 1000 Genomes Project 0.00220; gnomAD 0.00333 and 0.00354; TOPMed 0.00383; gnomAD exomes 0.00410.
gnomAD v4.1: 620 of 177,026 alleles (0.35%); highest among the groups gnomAD compares: Non-Finnish European, 0.54%; 3 homozygotes.

Submissions (3):

CeGaT Center for Human Genetics Tuebingen
Classification: Likely benign. Last evaluated: 2023-03-01. Review status: criteria provided, single submitter. Criteria: CeGaT Center For Human Genetics Tuebingen Variant Classification Criteria Version 2. Collection method: clinical testing. Allele origin: germline. Affected: yes. Observed: 19 variant alleles.
Comment: BRCA2: BS2

Illumina Laboratory Services, Illumina
Classification: Likely benign for Fanconi anemia complementation group D1. Last evaluated: 2018-02-27. Review status: criteria provided, single submitter. Criteria: ICSL Variant Classification Criteria 13 December 2019. Collection method: clinical testing. Allele origin: germline.
Comment: This variant was observed as part of a predisposition screen in an ostensibly healthy population. A literature search was performed for the gene, cDNA change, and amino acid change (where applicable). No publications were found based on this search. Allele frequency data from public databases allowed determination this variant is unlikely to cause disease. Therefore, this variant is classified as likely benign.

Illumina Laboratory Services, Illumina
Classification: Likely benign for Breast-ovarian cancer, familial, susceptibility to, 2. Last evaluated: 2018-02-27. Review status: criteria provided, single submitter. Criteria: ICSL Variant Classification Criteria 13 December 2019. Collection method: clinical testing. Allele origin: germline.
Comment: the same text as in the submission from Illumina Laboratory Services, Illumina above.

NM_000059.4(BRCA2):c.*839T>C

Gene: BRCA2 (BRCA2 DNA repair associated; plus strand). Cytogenetic location: 13q13.1.
Variant type: single nucleotide variant.
Coding change: c.*839T>C on transcript NM_000059.4 (MANE Select); 839 bases downstream of the stop codon, T replaced by C.
Molecular consequence: 3 prime UTR variant.
Genome position (GRCh38, 1-based): chr13:32,399,609, T>C. VCF-style: chr13-32399609-T-C. GRCh37 (hg19) VCF-style: chr13-32973746-T-C.
Identifiers: ClinVar variation 311676 (VCV000311676.43), dbSNP rs76358429, ClinGen allele CA10639302.